The following is an entry in ClinVar:

ClinVar aggregate classification (germline): Uncertain significance. Review status: criteria provided, multiple submitters, no conflicts (2 of 4 stars). 2 submissions from 2 submitters: Uncertain significance (2). Last evaluated 2023-12-15.

Conditions:
Pilarowski-Bjornsson syndrome. Also called: DEVELOPMENTAL DELAY AND SPEECH APRAXIA WITH OR WITHOUT SEIZURES. Identifiers: Orphanet 529965, MedGen C4540131, MONDO:0060568, OMIM 617682.

Allele frequency attached by ClinVar (database versions not stated): gnomAD exomes below 0.00001.
gnomAD v4.1: 2 of 1,613,904 alleles (0.00012%); highest among the groups gnomAD compares: Non-Finnish European, 0.00017%; no homozygotes.

Submissions (2):

Women's Health and Genetics/Laboratory Corporation of America, LabCorp
Classification: Uncertain significance. Last evaluated: 2023-12-15. Review status: criteria provided, single submitter. Criteria: LabCorp Variant Classification Summary - May 2015. Collection method: clinical testing. Allele origin: germline.
Comment: Variant summary: CHD1 c.662A>T (p.Asp221Val) results in a non-conservative amino acid change in the encoded protein sequence. Four of five in-silico tools predict a damaging effect of the variant on protein function. The variant was absent in 251070 control chromosomes. The available data on variant occurrences in the general population are insufficient to allow any conclusion about variant significance. To our knowledge, no occurrence of c.662A>T in individuals affected with Pilarowski-Bjornsson Syndrome and no experimental evidence demonstrating its impact on protein function have been reported. One submitter has cited clinical-significance assessments for this variant to ClinVar after 2014 and has classified the variant as uncertain significance. Based on the evidence outlined above, the variant was classified as uncertain significance.

Institute of Human Genetics, University of Leipzig Medical Center
Classification: Uncertain significance for Pilarowski-Bjornsson syndrome. Last evaluated: 2019-01-01. Review status: criteria provided, single submitter. Criteria: ACMG Guidelines, 2015. Collection method: clinical testing. Allele origin: unknown. Affected: yes.

NM_001270.4(CHD1):c.662A>T (p.Asp221Val)

Gene: CHD1 (chromodomain helicase DNA binding protein 1; minus strand). Cytogenetic location: 5q21.1.
Variant type: single nucleotide variant.
Coding change: c.662A>T on transcript NM_001270.4 (MANE Select); coding-DNA position 662, A replaced by T.
Protein change: p.Asp221Val; replaces aspartic acid 221 with valine.
Molecular consequence: missense variant. On other transcripts: non-coding transcript variant (2).
Genome position (GRCh38, 1-based): chr5:98,901,008, T>A on the plus strand (A>T on the coding strand, the complement: CHD1 is on the minus strand). VCF-style: chr5-98901008-T-A. GRCh37 (hg19) VCF-style: chr5-98236712-T-A.
Other names: c.662A>T, p.Asp221Val (NM_001364113.3, NM_001376194.2); short protein forms D221V.
Identifiers: ClinVar variation 982846 (VCV000982846.2), dbSNP rs1751666878, ClinGen allele CA360521923.
Genomic context (GRCh38, chr5:98,901,008, plus strand): 5'-CTAACATTAACAGTTGCTTGGCGACGAGAACTTCTTTTATCATTATCATAATCTTCTTCA[T>A]CATCATCCTCCTCAGATGAATCAATCTGTCTCTTTTTTTGTCCAAGAATCTTCTTTCCAT-3'
Protein context (NP_001261.2, residues 211-231): RQIDSSEEDD[Asp221Val]EEDYDNDKRS